The following is an entry in ClinVar:

NM_014844.5(TECPR2):c.3790-188T>C

Gene: TECPR2 (tectonin beta-propeller repeat containing 2; plus strand). Cytogenetic location: 14q32.31.
Variant type: single nucleotide variant.
Coding change: c.3790-188T>C on transcript NM_014844.5 (MANE Select); 188 bases into the intron before coding-DNA position 3790, T replaced by C.
Molecular consequence: intron variant.
Genome position (GRCh38, 1-based): chr14:102,496,791, T>C. VCF-style: chr14-102496791-T-C. GRCh37 (hg19) VCF-style: chr14-102963128-T-C.
Identifiers: ClinVar variation 672259 (VCV000672259.2), dbSNP rs11626608, ClinGen allele CA267067407.

ClinVar aggregate classification (germline): Benign. Review status: criteria provided, multiple submitters, no conflicts (2 of 4 stars). 2 submissions from 2 submitters: Benign (2). Last evaluated 2018-06-14.

Allele frequency attached by ClinVar (database versions not stated): 1000 Genomes Project 0.01298; 1000 Genomes Project 30x 0.01530; TOPMed 0.03073; gnomAD 0.03238 and 0.03279; gnomAD exomes 0.04549.
gnomAD v4.1: 35,212 of 824,082 alleles (4.3%); highest among the groups gnomAD compares: Non-Finnish European, 5.6%; 935 homozygotes.

Submissions (2):

GeneDx
Classification: Benign. Last evaluated: 2018-06-14. Review status: criteria provided, single submitter. Criteria: GeneDx Variant Classification (06012015). Collection method: clinical testing. Allele origin: germline. Affected: yes.
Comment: This variant is considered likely benign or benign based on one or more of the following criteria: it is a conservative change, it occurs at a poorly conserved position in the protein, it is predicted to be benign by multiple in silico algorithms, and/or has population frequency not consistent with disease.

Breakthrough Genomics
Classification: Benign. Review status: criteria provided, single submitter. Criteria: ACMG Guidelines, 2015. Collection method: not provided. Allele origin: germline. Inheritance: Autosomal recessive inheritance. Affected: yes.